The following is an entry in ClinVar:

NM_018921.3(PCDHGA9):c.48A>G (p.Leu16=)

Genes: PCDHG@ (protocadherin gamma cluster; plus strand), PCDHGA1 (protocadherin gamma subfamily A, 1; plus strand), PCDHGA2 (protocadherin gamma subfamily A, 2; plus strand), PCDHGA3 (protocadherin gamma subfamily A, 3; plus strand), PCDHGA4 (protocadherin gamma subfamily A, 4; plus strand) and 10 more. Cytogenetic location: 5q31.3.
Variant type: single nucleotide variant.
Coding change: c.48A>G on transcript NM_018921.3 (MANE Select); coding-DNA position 48, A replaced by G.
Protein change: p.Leu16=; no amino-acid change (leucine 16 retained).
Molecular consequence: synonymous variant. On other transcripts: intron variant (13).
Genome position (GRCh38, 1-based): chr5:141,403,000, A>G. VCF-style: chr5-141403000-A-G. GRCh37 (hg19) VCF-style: chr5-140782567-A-G.
Other names: c.2421+40444A>G (NM_018923.3); c.2421+36249A>G (NM_018918.3); c.2415+30191A>G (NM_018924.5); c.2424+26493A>G (NM_018919.3); c.2424+17677A>G (NM_018920.4); c.2397+12719A>G (NM_003736.4); c.2424+7763A>G (NM_032088.2); c.2397+2476A>G (NM_018925.3); and 6 more.
Identifiers: ClinVar variation 2655855 (VCV002655855.24), dbSNP rs766133958, ClinGen allele CA3473871.

ClinVar aggregate classification (germline): Likely benign (1 of 4 stars; one submission).

Allele frequency attached by ClinVar (database versions not stated): ExAC 0.00001; gnomAD 0.00001; TOPMed 0.00002.
gnomAD v4.1: 27 of 1,613,862 alleles (0.0017%); highest among the groups gnomAD compares: Middle Eastern, 0.016%; no homozygotes.

Submission:

CeGaT Center for Human Genetics Tuebingen
Classification: Likely benign. Last evaluated: 2022-11-01. Review status: criteria provided, single submitter. Criteria: CeGaT Center For Human Genetics Tuebingen Variant Classification Criteria Version 2. Collection method: clinical testing. Allele origin: germline. Affected: yes. Observed: 1 variant allele.
Comment: PCDHGA9: BP4, BP7